The following is an entry in ClinVar:

ClinVar aggregate classification (germline): Conflicting classifications of pathogenicity. Review status: criteria provided, conflicting classifications (1 of 4 stars). 5 submissions from 5 submitters: Uncertain significance (4); Likely benign (1). Last evaluated 2026-02-05.

Conditions:
PCNT-related disorder. Also called: PCNT-related condition.

Allele frequency attached by ClinVar (database versions not stated): gnomAD exomes 0.00007 and 0.00012; ESP Exome Variant Server 0.00008; ExAC 0.00011; gnomAD 0.00013 and 0.00014; 1000 Genomes Project 30x 0.00016; 1000 Genomes Project 0.00020; TOPMed 0.00020.
gnomAD v4.1: 120 of 1,611,424 alleles (0.0074%); highest among the groups gnomAD compares: Admixed American, 0.065%; no homozygotes.

Submissions (5):

GeneDx
Classification: Uncertain significance. Last evaluated: 2026-02-05. Review status: criteria provided, single submitter. Criteria: GeneDx Variant Classification Process June 2021. Collection method: clinical testing. Allele origin: germline.
Comment: In silico analysis supports that this missense variant has a deleterious effect on protein structure/function; Has not been previously published as pathogenic or benign to our knowledge

PreventionGenetics, part of Exact Sciences
Classification: Uncertain significance for PCNT-related condition. Last evaluated: 2025-07-15. Review status: criteria provided, single submitter. Criteria: ACMG Guidelines, 2015. Collection method: clinical testing. Allele origin: germline.
Comment: The PCNT c.8947C>T variant is predicted to result in the amino acid substitution p.Leu2983Phe. To our knowledge, this variant has not been reported in the literature. This variant is reported in 0.071% of alleles in individuals of Latino descent in gnomAD, which is likely too common for an undocumented disease-causing variant. Although we suspect that this variant may be benign, at this time, the clinical significance of this variant is uncertain due to the absence of conclusive functional and genetic evidence.

Labcorp Genetics (formerly Invitae), Labcorp
Classification: Uncertain significance. Last evaluated: 2022-07-12. Review status: criteria provided, single submitter. Criteria: Invitae Variant Classification Sherloc (09022015). Collection method: clinical testing. Allele origin: germline.
Comment: This sequence change replaces leucine, which is neutral and non-polar, with phenylalanine, which is neutral and non-polar, at codon 2983 of the PCNT protein (p.Leu2983Phe). This variant is present in population databases (rs372356069, gnomAD 0.07%). This variant has not been reported in the literature in individuals affected with PCNT-related conditions. ClinVar contains an entry for this variant (Variation ID: 197082). Algorithms developed to predict the effect of missense changes on protein structure and function are either unavailable or do not agree on the potential impact of this missense change (SIFT: "Tolerated"; PolyPhen-2: "Possibly Damaging"; Align-GVGD: "Class C0"). In summary, the available evidence is currently insufficient to determine the role of this variant in disease. Therefore, it has been classified as a Variant of Uncertain Significance.

Laboratorio de Genetica e Diagnostico Molecular, Hospital Israelita Albert Einstein
Classification: Likely benign. Last evaluated: 2020-04-24. Review status: criteria provided, single submitter. Criteria: ACMG Guidelines, 2015. Collection method: clinical testing. Allele origin: germline. Affected: yes.
Comment: ACMG classification criteria: BP1, BP4

Eurofins Ntd Llc (ga)
Classification: Uncertain significance. Last evaluated: 2015-01-06. Review status: criteria provided, single submitter. Criteria: EGL Classification Definitions 2015. Collection method: clinical testing. Allele origin: germline. Observed: 1 variant allele, 1 heterozygote.

NM_006031.6(PCNT):c.8947C>T (p.Leu2983Phe)

Gene: PCNT (pericentrin; plus strand). Cytogenetic location: 21q22.3.
Variant type: single nucleotide variant.
Coding change: c.8947C>T on transcript NM_006031.6 (MANE Select); coding-DNA position 8947, C replaced by T.
Protein change: p.Leu2983Phe; replaces leucine 2983 with phenylalanine.
Molecular consequence: missense variant.
Genome position (GRCh38, 1-based): chr21:46,436,099, C>T. VCF-style: chr21-46436099-C-T. GRCh37 (hg19) VCF-style: chr21-47856012-C-T.
Other names: c.8356C>T, p.Leu2786Phe (NM_001315529.2); c.8947C>T (NM_006031.5); short protein forms L2983F, L2786F.
Identifiers: ClinVar variation 197082 (VCV000197082.14), dbSNP rs372356069, ClinGen allele CA245022.